The following is an entry in ClinVar:

NM_000814.6(GABRB3):c.1342A>G (p.Ile448Val)

Gene: GABRB3 (gamma-aminobutyric acid type A receptor subunit beta3; minus strand). Cytogenetic location: 15q12.
Variant type: single nucleotide variant.
Coding change: c.1342A>G on transcript NM_000814.6 (MANE Select); coding-DNA position 1342, A replaced by G.
Protein change: p.Ile448Val; replaces isoleucine 448 with valine.
Molecular consequence: missense variant.
Genome position (GRCh38, 1-based): chr15:26,547,873, T>C on the plus strand (A>G on the coding strand, the complement: GABRB3 is on the minus strand). VCF-style: chr15-26547873-T-C. GRCh37 (hg19) VCF-style: chr15-26793020-T-C.
Other names: c.1087A>G, p.Ile363Val (NM_001191320.2, NM_001278631.2); c.1129A>G, p.Ile377Val (NM_001191321.3); c.1342A>G, p.Ile448Val (NM_021912.5); short protein forms I377V, I448V, I363V.
Identifiers: ClinVar variation 696921 (VCV000696921.12), dbSNP rs377215030, ClinGen allele CA7437260.

ClinVar aggregate classification (germline): Likely benign. Review status: criteria provided, multiple submitters, no conflicts (2 of 4 stars). 2 submissions from 2 submitters: Likely benign (2). Last evaluated 2025-12-01.

Conditions:
Epilepsy, childhood absence, susceptibility to, 1. Also called: Epilepsy, childhood absence 1. Identifiers: Orphanet 64280, MedGen C1838604, MONDO:0020759, OMIM 600131.
Epilepsy, childhood absence, susceptibility to, 5. Identifiers: Orphanet 64280, MedGen C2677087, MONDO:0012843, OMIM 612269.

Allele frequency attached by ClinVar (database versions not stated): gnomAD 0.00003 and 0.00002; ESP Exome Variant Server 0.00008; gnomAD exomes 0.00003 and 0.00002; ExAC 0.00003; TOPMed 0.00001.
gnomAD v4.1: 28 of 1,614,102 alleles (0.0017%); highest among the groups gnomAD compares: Admixed American, 0.0067%; no homozygotes.

Submissions (2):

Labcorp Genetics (formerly Invitae), Labcorp
Classification: Likely benign for Epilepsy, childhood absence, susceptibility to, 5; Epilepsy, childhood absence, susceptibility to, 1. Last evaluated: 2025-12-01. Review status: criteria provided, single submitter. Criteria: Invitae Variant Classification Sherloc (09022015). Collection method: clinical testing. Allele origin: germline.

GeneDx
Classification: Likely benign. Last evaluated: 2020-01-03. Review status: criteria provided, single submitter. Criteria: GeneDx Variant Classification Process June 2021. Collection method: clinical testing. Allele origin: germline. Affected: yes.
Comment: See Variant Classification Assertion Criteria.